The following is an entry in ClinVar:

ClinVar aggregate classification (germline): Uncertain significance (1 of 4 stars; one submission).

Submission:

Labcorp Genetics (formerly Invitae), Labcorp
Classification: Uncertain significance. Last evaluated: 2024-08-13. Review status: criteria provided, single submitter. Criteria: Invitae Variant Classification Sherloc (09022015). Collection method: clinical testing. Allele origin: germline.
Comment: This sequence change replaces lysine, which is basic and polar, with asparagine, which is neutral and polar, at codon 6 of the MAGEL2 protein (p.Lys6Asn). This variant is not present in population databases (gnomAD no frequency). This variant has not been reported in the literature in individuals affected with MAGEL2-related conditions. Experimental studies and prediction algorithms are not available or were not evaluated, and the functional significance of this variant is currently unknown. In summary, the available evidence is currently insufficient to determine the role of this variant in disease. Therefore, it has been classified as a Variant of Uncertain Significance.

NM_019066.5(MAGEL2):c.18G>C (p.Lys6Asn)

Gene: MAGEL2 (MAGE family member L2; minus strand). Cytogenetic location: 15q11.2.
Variant type: single nucleotide variant.
Coding change: c.18G>C on transcript NM_019066.5 (MANE Select); coding-DNA position 18, G replaced by C.
Protein change: p.Lys6Asn; replaces lysine 6 with asparagine.
Molecular consequence: missense variant.
Genome position (GRCh38, 1-based): chr15:23,647,725, C>G on the plus strand (G>C on the coding strand, the complement: MAGEL2 is on the minus strand). VCF-style: chr15-23647725-C-G. GRCh37 (hg19) VCF-style: chr15-23892872-C-G.
Other names: short protein forms K6N.
Identifiers: ClinVar variation 2697059 (VCV002697059.3), dbSNP rs2503985829, ClinGen allele CA391338084.